The following is an entry in ClinVar:

NM_003072.5(SMARCA4):c.4086G>C (p.Glu1362Asp)

Gene: SMARCA4 (SWI/SNF related BAF chromatin remodeling complex subunit ATPase 4; plus strand). Cytogenetic location: 19p13.2.
Variant type: single nucleotide variant.
Coding change: c.4086G>C on transcript NM_003072.5 (MANE Select); coding-DNA position 4086, G replaced by C.
Protein change: p.Glu1362Asp; replaces glutamic acid 1362 with aspartic acid.
Molecular consequence: missense variant. On other transcripts: non-coding transcript variant (1).
Genome position (GRCh38, 1-based): chr19:11,035,048, G>C. VCF-style: chr19-11035048-G-C. GRCh37 (hg19) VCF-style: chr19-11145724-G-C.
Other names: c.4086G>C, p.Glu1362Asp (NM_001128844.3, NM_001128849.3, NM_001387283.1); c.3987G>C, p.Glu1329Asp (NM_001128845.2, NM_001128846.2, NM_001128847.4 and 3 more transcripts); short protein forms E1362D, E1329D.
Identifiers: ClinVar variation 3958421 (VCV003958421.1).

ClinVar aggregate classification (germline): Uncertain significance (1 of 4 stars; one submission).

Conditions:
Hereditary cancer-predisposing syndrome. Also called: Tumor predisposition; Hereditary neoplastic syndrome; Hereditary Cancer Syndrome; Neoplastic Syndromes, Hereditary. Identifiers: Orphanet 140162, MedGen C0027672, MeSH D009386, MONDO:0015356.

Submission:

Ambry Genetics
Classification: Uncertain significance for Hereditary cancer-predisposing syndrome. Last evaluated: 2025-03-20. Review status: criteria provided, single submitter. Criteria: Ambry Variant Classification Scheme 2023. Collection method: clinical testing. Allele origin: germline.
Comment: The p.E1362D variant (also known as c.4086G>C), located in coding exon 28 of the SMARCA4 gene, results from a G to C substitution at nucleotide position 4086. The glutamic acid at codon 1362 is replaced by aspartic acid, an amino acid with highly similar properties. This amino acid position is conserved. In addition, this alteration is predicted to be tolerated by in silico analysis. Based on the available evidence, the clinical significance of this variant remains unclear.